The following is an entry in ClinVar:

NM_001130144.3(LTBP3):c.1720+1G>T

Gene: LTBP3 (latent transforming growth factor beta binding protein 3; minus strand). Cytogenetic location: 11q13.1.
Variant type: single nucleotide variant.
Coding change: c.1720+1G>T on transcript NM_001130144.3 (MANE Select); the canonical splice donor site of the intron after coding-DNA position 1720, G replaced by T.
Molecular consequence: splice donor variant.
Genome position (GRCh38, 1-based): chr11:65,551,125, C>A on the plus strand (G>T on the coding strand, the complement: LTBP3 is on the minus strand). VCF-style: chr11-65551125-C-A. GRCh37 (hg19) VCF-style: chr11-65318596-C-A.
Other names: c.1369+1G>T (NM_001164266.1); c.1720+1G>T (NM_021070.4).
Identifiers: ClinVar variation 3724399 (VCV003724399.2).

ClinVar aggregate classification (germline): Likely pathogenic (1 of 4 stars; one submission).

Conditions:
Brachyolmia-amelogenesis imperfecta syndrome. Also called: PLATYSPONDYLY WITH AMELOGENESIS IMPERFECTA; Tooth agenesis, selective, 6; Dental anomalies and short stature. Identifiers: Orphanet 2899, MedGen C1832594, MONDO:0011018, OMIM 601216. Disease mechanism: loss of function.

Submission:

Labcorp Genetics (formerly Invitae), Labcorp
Classification: Likely pathogenic for Brachyolmia-amelogenesis imperfecta syndrome. Last evaluated: 2024-10-31. Review status: criteria provided, single submitter. Criteria: Invitae Variant Classification Sherloc (09022015). Collection method: clinical testing. Allele origin: germline.
Comment: This sequence change affects a donor splice site in intron 11 of the LTBP3 gene. It is expected to disrupt RNA splicing. Variants that disrupt the donor or acceptor splice site typically lead to a loss of protein function (PMID: 16199547), and loss-of-function variants in LTBP3 are known to be pathogenic (PMID: 11790802, 19344874, 25669657). This variant is not present in population databases (gnomAD no frequency). This variant has not been reported in the literature in individuals affected with LTBP3-related conditions. Algorithms developed to predict the effect of sequence changes on RNA splicing suggest that this variant may disrupt the consensus splice site. In summary, the currently available evidence indicates that the variant is pathogenic, but additional data are needed to prove that conclusively. Therefore, this variant has been classified as Likely Pathogenic.

Literature cited by the submitters: PubMed 16199547; PubMed 11790802; PubMed 19344874; PubMed 25669657.